The following is an entry in ClinVar:

ClinVar aggregate classification (germline): Pathogenic/Likely pathogenic. Review status: criteria provided, multiple submitters, no conflicts (2 of 4 stars). 3 submissions from 3 submitters: Pathogenic (1); Likely pathogenic (1). 1 of the submissions does not count toward it. Last evaluated 2026-01-18.

Conditions:
Neurofibromatosis type 1 due to NF1 mutation or intragenic deletion. Identifiers: Orphanet 363700, MedGen C5779636, MONDO:0018208.
Neurofibromatosis, type 1 (NF1). Also called: VON RECKLINGHAUSEN DISEASE; NEUROFIBROMATOSIS, TYPE I, SOMATIC; Peripheral type neurofibromatosis; Neurofibromatosis, type I. Identifiers: Orphanet 636, MedGen C0027831, MONDO:0018975, OMIM 162200. Disease mechanism: loss of function.

Submissions (3):

Labcorp Genetics (formerly Invitae), Labcorp
Classification: Pathogenic for Neurofibromatosis, type 1. Last evaluated: 2026-01-18. Review status: criteria provided, single submitter. Criteria: Invitae Variant Classification Sherloc (09022015). Collection method: clinical testing. Allele origin: germline.
Comment: This sequence change replaces leucine, which is neutral and non-polar, with proline, which is neutral and non-polar, at codon 508 of the NF1 protein (p.Leu508Pro). This variant is not present in population databases (gnomAD no frequency). This missense change has been observed in individual(s) with neurofibromatosis type 1 (PMID: 11258625; internal data). ClinVar contains an entry for this variant (Variation ID: 355). Invitae Evidence Modeling of protein sequence and biophysical properties (such as structural, functional, and spatial information, amino acid conservation, physicochemical variation, residue mobility, and thermodynamic stability) indicates that this missense variant is expected to disrupt NF1 protein function with a positive predictive value of 95%. For these reasons, this variant has been classified as Pathogenic.

Clinical Genetics Laboratory, Skane University Hospital Lund
Classification: Likely pathogenic for Neurofibromatosis type 1 due to NF1 mutation or intragenic deletion. Last evaluated: 2025-11-06. Review status: criteria provided, single submitter. Criteria: ACMG Guidelines, 2015. Collection method: clinical testing. Allele origin: germline. Affected: yes.
Comment: ACMG criteria used: PS4_moderate, PM2, PP3, PP4_strong.

OMIM
Classification: Pathogenic for NEUROFIBROMATOSIS, TYPE I. Last evaluated: 2003-02-01. Review status: no assertion criteria provided. Collection method: literature only. Allele origin: germline. Not counted in ClinVar's aggregate classification.

Literature cited by the submitters: PubMed 11258625 (cited by Labcorp Genetics (formerly Invitae), Labcorp); PubMed 12566521 (cited by OMIM).

NM_001042492.3(NF1):c.1523T>C (p.Leu508Pro)

Gene: NF1 (neurofibromin 1; plus strand). Cytogenetic location: 17q11.2.
Variant type: single nucleotide variant.
Coding change: c.1523T>C on transcript NM_001042492.3 (MANE Select); coding-DNA position 1523, T replaced by C.
Protein change: p.Leu508Pro; replaces leucine 508 with proline.
Molecular consequence: missense variant.
Genome position (GRCh38, 1-based): chr17:31,214,581, T>C. VCF-style: chr17-31214581-T-C. GRCh37 (hg19) VCF-style: chr17-29541599-T-C.
Other names: c.1523T>C, p.Leu508Pro (NM_000267.4, NM_001128147.3); short protein forms L508P.
Identifiers: ClinVar variation 355 (VCV000000355.5), dbSNP rs137854558, ClinGen allele CA251467.
Genomic context (GRCh38, chr17:31,214,581, plus strand): 5'-GCTATAAGTATCTTCTCTTGTCCATGGTGAAACTAATTCATGCAGATCCAAAGCTCTTGC[T>C]TTGTGTAAGTATTTTTTTATGAAATGTCTCAAAATTATCACACTAAGTTAATTGGGTTTA-3'
Protein context (NP_001035957.1, residues 498-518): KLIHADPKLL[Leu508Pro]CNPRKQGPET